The following is an entry in ClinVar:

NM_004714.3(DYRK1B):c.1487C>G (p.Pro496Arg)

Gene: DYRK1B (dual specificity tyrosine phosphorylation regulated kinase 1B; minus strand). Cytogenetic location: 19q13.2.
Variant type: single nucleotide variant.
Coding change: c.1487C>G on transcript NM_004714.3 (MANE Select); coding-DNA position 1487, C replaced by G.
Protein change: p.Pro496Arg; replaces proline 496 with arginine.
Molecular consequence: missense variant.
Genome position (GRCh38, 1-based): chr19:39,826,211, G>C on the plus strand (C>G on the coding strand, the complement: DYRK1B is on the minus strand). VCF-style: chr19-39826211-G-C. GRCh37 (hg19) VCF-style: chr19-40316851-G-C.
Other names: c.1367C>G, p.Pro456Arg (NM_006483.3); c.1403C>G, p.Pro468Arg (NM_006484.3); short protein forms P496R, P468R, P456R.
Identifiers: ClinVar variation 4991176 (VCV004991176.1).

ClinVar aggregate classification (germline): Uncertain significance (1 of 4 stars; one submission).

Conditions:
DYRK1B-related disorder. Also called: DYRK1B-related condition.

Submission:

PreventionGenetics, part of Exact Sciences
Classification: Uncertain significance for DYRK1B-related condition. Last evaluated: 2026-05-13. Review status: criteria provided, single submitter. Criteria: ACMG Guidelines, 2015. Collection method: clinical testing. Allele origin: germline.
Comment: The DYRK1B c.1487C>G variant is predicted to result in the amino acid substitution p.Pro496Arg. To our knowledge, this variant has not been reported in the literature or in a large population database (gnomAD), indicating this variant is rare. At this time, the clinical significance of this variant is uncertain due to the absence of conclusive functional and genetic evidence.